The following is an entry in ClinVar:

ClinVar aggregate classification (germline): Uncertain significance. Review status: criteria provided, multiple submitters, no conflicts (2 of 4 stars). 2 submissions from 2 submitters: Uncertain significance (2). Last evaluated 2023-01-07.

Conditions:
Congenital contractural arachnodactyly (CCA). Also called: Arthrogryposis, distal, type 9; BEALS SYNDROME; Beals-Hecht syndrome. Identifiers: Orphanet 115, MedGen C0220668, MONDO:0007363, OMIM 121050.

Submissions (2):

Labcorp Genetics (formerly Invitae), Labcorp
Classification: Uncertain significance for Congenital contractural arachnodactyly. Last evaluated: 2023-01-07. Review status: criteria provided, single submitter. Criteria: Invitae Variant Classification Sherloc (09022015). Collection method: clinical testing. Allele origin: germline.
Comment: In summary, the available evidence is currently insufficient to determine the role of this variant in disease. Therefore, it has been classified as a Variant of Uncertain Significance. Algorithms developed to predict the effect of missense changes on protein structure and function (SIFT, PolyPhen-2, Align-GVGD) all suggest that this variant is likely to be disruptive. ClinVar contains an entry for this variant (Variation ID: 1314763). This variant has not been reported in the literature in individuals affected with FBN2-related conditions. This variant is not present in population databases (gnomAD no frequency). This sequence change replaces glycine, which is neutral and non-polar, with valine, which is neutral and non-polar, at codon 1415 of the FBN2 protein (p.Gly1415Val).

GeneDx
Classification: Uncertain significance. Last evaluated: 2021-04-14. Review status: criteria provided, single submitter. Criteria: GeneDx Variant Classification Process June 2021. Collection method: clinical testing. Allele origin: germline. Affected: yes.
Comment: Has not been previously published as pathogenic or benign to our knowledge; Not observed in large population cohorts (Lek et al., 2016); In silico analysis supports that this missense variant has a deleterious effect on protein structure/function; Although located in a calcium-binding EGF-like domain of the FBN2 gene, it does not affect a cysteine residue within this domain; cysteine substitutions in the calcium-binding EGF-like domains represent the majority of pathogenic missense changes associated with FBN2-related disorders (Frederic et al., 2009).

NM_001999.4(FBN2):c.4244G>T (p.Gly1415Val)

Gene: FBN2 (fibrillin 2; minus strand). Cytogenetic location: 5q23.3.
Variant type: single nucleotide variant.
Coding change: c.4244G>T on transcript NM_001999.4 (MANE Select); coding-DNA position 4244, G replaced by T.
Protein change: p.Gly1415Val; replaces glycine 1415 with valine.
Molecular consequence: missense variant.
Genome position (GRCh38, 1-based): chr5:128,330,674, C>A on the plus strand (G>T on the coding strand, the complement: FBN2 is on the minus strand). VCF-style: chr5-128330674-C-A. GRCh37 (hg19) VCF-style: chr5-127666366-C-A.
Other names: short protein forms G1415V.
Identifiers: ClinVar variation 1314763 (VCV001314763.8), dbSNP rs2126889179, ClinGen allele CA360754172.
Genomic context (GRCh38, chr5:128,330,674, plus strand): 5'-GCACAGCGGTATGAGCCCGGGGTATTTACACACTGAGCATTGATGCTACACTGGTGGGTT[C>A]CATTAGAACATTCGTCCAGATCTGCAGAACACAGCAATAAAGTTCAGAAATGAAAATGGA-3'
Protein context (NP_001990.2, residues 1405-1425): KCIDLDECSN[Gly1415Val]THQCSINAQC